The following is an entry in ClinVar:

NM_002335.4(LRP5):c.796C>T (p.Arg266Cys)

Gene: LRP5 (LDL receptor related protein 5; plus strand). Cytogenetic location: 11q13.2.
Variant type: single nucleotide variant.
Coding change: c.796C>T on transcript NM_002335.4 (MANE Select); coding-DNA position 796, C replaced by T.
Protein change: p.Arg266Cys; replaces arginine 266 with cysteine.
Molecular consequence: missense variant. On other transcripts: 5 prime UTR variant (1).
Genome position (GRCh38, 1-based): chr11:68,363,856, C>T. VCF-style: chr11-68363856-C-T. GRCh37 (hg19) VCF-style: chr11-68131324-C-T.
Other names: c.-970C>T (NM_001291902.2); c.796C>T (NM_002335.3, NM_002335.2); short protein forms R266C.
Identifiers: ClinVar variation 2137175 (VCV002137175.9), dbSNP rs368484557, ClinGen allele CA6149112.
Genomic context (GRCh38, chr11:68,363,856, plus strand): 5'-TCCGGGGACACTCTGTACTGGACAGACTGGCAGACCCGCTCCATCCATGCCTGCAACAAG[C>T]GCACTGGGGGGAAGAGGAAGGAGATCCTGAGTGCCCTCTACTCACCCATGGACATCCAGG-3'
Protein context (NP_002326.2, residues 256-276): QTRSIHACNK[Arg266Cys]TGGKRKEILS

ClinVar aggregate classification (germline): Uncertain significance. Review status: criteria provided, multiple submitters, no conflicts (2 of 4 stars). 5 submissions from 5 submitters: Uncertain significance (5). Last evaluated 2026-07-28.

Conditions:
LRP5-related disorder. Also called: LRP5-related condition.
Bone mineral density quantitative trait locus 1 (BMND1). Identifiers: MedGen C1866079, OMIM 601884.
Exudative vitreoretinopathy 4 (EVR4). Identifiers: Orphanet 891, MedGen C1866176, MONDO:0011151, OMIM 601813.
Worth disease. Also called: ENDOSTEAL HYPEROSTOSIS, AUTOSOMAL DOMINANT; OSTEOSCLEROSIS, AUTOSOMAL DOMINANT; Autosomal dominant osteosclerosis, Worth type. Identifiers: Orphanet 2790, MedGen C0432273, MONDO:0007764, OMIM 144750.
Autosomal dominant osteopetrosis 1 (OPTA1). Also called: OSTEOPETROSIS, AUTOSOMAL DOMINANT, TYPE I. Identifiers: Orphanet 2783, MedGen C1843330, MONDO:0011877, OMIM 607634.
Polycystic liver disease 4 with or without kidney cysts. Identifiers: MedGen C4693479, MONDO:0044327, OMIM 617875.
Osteoporosis with pseudoglioma (OPPG). Also called: osteoporosis-pseudoglioma syndrome. Identifiers: Orphanet 2788, MedGen C0432252, MONDO:0009820, OMIM 259770.

Allele frequency attached by ClinVar (database versions not stated): gnomAD 0.00002; ExAC 0.00003; TOPMed 0.00004; ESP Exome Variant Server 0.00008; gnomAD exomes 0.00012.
gnomAD v4.1: 173 of 1,613,008 alleles (0.011%); highest among the groups gnomAD compares: Non-Finnish European, 0.014%; no homozygotes.

Submissions (5):

GeneDx
Classification: Uncertain significance. Last evaluated: 2026-07-28. Review status: criteria provided, single submitter. Criteria: GeneDx Variant Classification Process June 2021. Collection method: clinical testing. Allele origin: germline.
Comment: Reported in the heterozygous state in an individual with high bone mass in published literature (PMID: 26348019); Observed in the heterozygous state in a patient with retinal dystrophy and albinism in published literature, but additional evidence is not available (PMID: 31816670); In silico analysis indicates that this missense variant does not alter protein structure/function; This variant is associated with the following publications: (PMID: 26348019, 31816670)

PreventionGenetics, part of Exact Sciences
Classification: Uncertain significance for LRP5-related condition. Last evaluated: 2026-07-22. Review status: criteria provided, single submitter. Criteria: ACMG Guidelines, 2015. Collection method: clinical testing. Allele origin: germline.
Comment: The LRP5 c.796C>T variant is predicted to result in the amino acid substitution p.Arg266Cys. This variant has been reported in the heterozygous state in an individual with high bone mass (Gregson et al. 2016. PubMed ID: 26348019) and an individual with retinal dystrophy and albinism (Table S1, Yohe et al. 2019. PubMed ID: 31816670). This variant is reported in 0.0081% of alleles in individuals of African descent in gnomAD and is interpreted as uncertain in ClinVar (Variation ID: 2137175). At this time, the clinical significance of this variant is uncertain due to the absence of conclusive functional and genetic evidence.

Labcorp Genetics (formerly Invitae), Labcorp
Classification: Uncertain significance. Last evaluated: 2025-07-09. Review status: criteria provided, single submitter. Criteria: Invitae Variant Classification Sherloc (09022015). Collection method: clinical testing. Allele origin: germline.
Comment: This sequence change replaces arginine, which is basic and polar, with cysteine, which is neutral and slightly polar, at codon 266 of the LRP5 protein (p.Arg266Cys). This variant is present in population databases (rs368484557, gnomAD 0.008%). This missense change has been observed in individual(s) with high bone mass (PMID: 26348019, 31816670). ClinVar contains an entry for this variant (Variation ID: 2137175). Invitae Evidence Modeling of protein sequence and biophysical properties (such as structural, functional, and spatial information, amino acid conservation, physicochemical variation, residue mobility, and thermodynamic stability) has been performed for this missense variant. However, the output from this modeling did not meet the statistical confidence thresholds required to predict the impact of this variant on LRP5 protein function. In summary, the available evidence is currently insufficient to determine the role of this variant in disease. Therefore, it has been classified as a Variant of Uncertain Significance.

Fulgent Genetics
Classification: Uncertain significance for Worth disease; Osteoporosis with pseudoglioma; Exudative vitreoretinopathy 4; Bone mineral density quantitative trait locus 1; Autosomal dominant osteopetrosis 1; Polycystic liver disease 4 with or without kidney cysts. Last evaluated: 2024-03-04. Review status: criteria provided, single submitter. Criteria: ACMG Guidelines, 2015. Collection method: clinical testing. Allele origin: germline.

Women's Health and Genetics/Laboratory Corporation of America, LabCorp
Classification: Uncertain significance. Last evaluated: 2023-11-20. Review status: criteria provided, single submitter. Criteria: LabCorp Variant Classification Summary - May 2015. Collection method: clinical testing. Allele origin: germline.
Comment: Variant summary: LRP5 c.796C>T (p.Arg266Cys) results in a non-conservative amino acid change in the encoded protein sequence. Four of five in-silico tools predict a damaging effect of the variant on protein function. The variant allele was found at a frequency of 3.2e-05 in 250504 control chromosomes (gnomAD). The available data on variant occurrences in the general population are insufficient to allow any conclusion about variant significance. c.796C>T has been reported in the literature in individuals affected with high bone density or retinal dystrophy without strong evidence of causality (Gregson_2016, Yohe_2020). These reports do not provide unequivocal conclusions about association of the variant with Endosteal Hyperostosis. To our knowledge, no experimental evidence demonstrating an impact on protein function has been reported. The following publications have been ascertained in the context of this evaluation (PMID: 26348019, 31816670). One submitter has cited a clinical-significance assessment for this variant to ClinVar after 2014 and has classified the variant as uncertain significance. Based on the evidence outlined above, the variant was classified as uncertain significance.

Literature cited by the submitters: PubMed 26348019 (cited by Labcorp Genetics (formerly Invitae), Labcorp and Women's Health and Genetics/Laboratory Corporation of America, LabCorp); PubMed 31816670 (cited by Labcorp Genetics (formerly Invitae), Labcorp and Women's Health and Genetics/Laboratory Corporation of America, LabCorp).